The following is an entry in ClinVar:

ClinVar aggregate classification (germline): Uncertain significance (1 of 4 stars; one submission).

Conditions:
Brugada syndrome 5 (BRGDA5). Identifiers: Orphanet 130, Orphanet 871, MedGen C2748541, MONDO:0013015, OMIM 612838.

Allele frequency attached by ClinVar (database versions not stated): TOPMed below 0.00001.
gnomAD v4.1: 7 of 1,614,096 alleles (0.00043%); highest among the groups gnomAD compares: Non-Finnish European, 0.00059%; no homozygotes.

Submission:

Labcorp Genetics (formerly Invitae), Labcorp
Classification: Uncertain significance for Brugada syndrome 5. Last evaluated: 2023-12-06. Review status: criteria provided, single submitter. Criteria: Invitae Variant Classification Sherloc (09022015). Collection method: clinical testing. Allele origin: germline.
Comment: This sequence change replaces threonine, which is neutral and polar, with serine, which is neutral and polar, at codon 58 of the SCN1B protein (p.Thr58Ser). This variant is not present in population databases (gnomAD no frequency). This variant has not been reported in the literature in individuals affected with SCN1B-related conditions. ClinVar contains an entry for this variant (Variation ID: 2057723). An algorithm developed to predict the effect of missense changes on protein structure and function (PolyPhen-2) suggests that this variant is likely to be disruptive. In summary, the available evidence is currently insufficient to determine the role of this variant in disease. Therefore, it has been classified as a Variant of Uncertain Significance.

NM_001037.5(SCN1B):c.173C>G (p.Thr58Ser)

Gene: SCN1B (sodium voltage-gated channel beta subunit 1; plus strand). Cytogenetic location: 19q13.11.
Variant type: single nucleotide variant.
Coding change: c.173C>G on transcript NM_001037.5 (MANE Select); coding-DNA position 173, C replaced by G.
Protein change: p.Thr58Ser; replaces threonine 58 with serine.
Molecular consequence: missense variant.
Genome position (GRCh38, 1-based): chr19:35,032,660, C>G. VCF-style: chr19-35032660-C-G. GRCh37 (hg19) VCF-style: chr19-35523564-C-G.
Other names: c.74C>G, p.Thr25Ser (NM_001321605.2); c.173C>G, p.Thr58Ser (NM_199037.5); short protein forms T58S, T25S.
Identifiers: ClinVar variation 2057723 (VCV002057723.4), dbSNP rs2064221831, ClinGen allele CA405328267.